The following is an entry in ClinVar:

ClinVar aggregate classification (germline): Likely benign (1 of 4 stars; one submission).

Allele frequency attached by ClinVar (database versions not stated): 1000 Genomes Project 0.00300; 1000 Genomes Project 30x 0.00312; ESP Exome Variant Server 0.00558; TOPMed 0.00625; gnomAD 0.00633; gnomAD exomes 0.00760; ExAC 0.01298.

Submission:

CeGaT Center for Human Genetics Tuebingen
Classification: Likely benign. Last evaluated: 2022-11-01. Review status: criteria provided, single submitter. Criteria: CeGaT Center For Human Genetics Tuebingen Variant Classification Criteria Version 2. Collection method: clinical testing. Allele origin: germline. Affected: yes. Observed: 1 variant allele.
Comment: PODN: BS2

NM_153703.5(PODN):c.1484G>A (p.Arg495His)

Gene: PODN (podocan; plus strand). Cytogenetic location: 1p32.3.
Variant type: single nucleotide variant.
Coding change: c.1484G>A on transcript NM_153703.5 (MANE Select); coding-DNA position 1484, G replaced by A.
Protein change: p.Arg495His; replaces arginine 495 with histidine.
Molecular consequence: missense variant.
Genome position (GRCh38, 1-based): chr1:53,078,994, G>A. VCF-style: chr1-53078994-G-A. GRCh37 (hg19) VCF-style: chr1-53544666-G-A.
Other names: c.1484G>A, p.Arg495His (NM_001199080.4, NM_001199081.3); short protein forms R495H.
Identifiers: ClinVar variation 2638819 (VCV002638819.24), dbSNP rs61999355, ClinGen allele CA858069.
Genomic context (GRCh38, chr1:53,078,994, plus strand): 5'-CTCAGCTGCGTGAGCTGTACCTCACCAGCAACCGACTGCGCAGCCGAGCCCTGGGCCCCC[G>A]TGCCTGGGTGGACCTCGCCCATCTGCAGGTAAGCGGAAGGGAGGGGGCTGAGCCATGCCC-3'
Protein context (NP_714914.3, residues 485-505): NRLRSRALGP[Arg495His]AWVDLAHLQL